The following is an entry in ClinVar:

NM_001142784.3(IL11RA):c.269G>A (p.Gly90Asp)

Gene: IL11RA (interleukin 11 receptor subunit alpha; plus strand). Cytogenetic location: 9p13.3.
Variant type: single nucleotide variant.
Coding change: c.269G>A on transcript NM_001142784.3 (MANE Select); coding-DNA position 269, G replaced by A.
Protein change: p.Gly90Asp; replaces glycine 90 with aspartic acid.
Molecular consequence: missense variant. On other transcripts: non-coding transcript variant (1).
Genome position (GRCh38, 1-based): chr9:34,656,846, G>A. VCF-style: chr9-34656846-G-A. GRCh37 (hg19) VCF-style: chr9-34656843-G-A.
Other names: short protein forms G90D.
Identifiers: ClinVar variation 1717679 (VCV001717679.5), dbSNP rs2492899892, ClinGen allele CA373287184.

ClinVar aggregate classification (germline): Uncertain significance (1 of 4 stars; one submission).

Submission:

Labcorp Genetics (formerly Invitae), Labcorp
Classification: Uncertain significance. Last evaluated: 2022-08-22. Review status: criteria provided, single submitter. Criteria: Invitae Variant Classification Sherloc (09022015). Collection method: clinical testing. Allele origin: germline.
Comment: This sequence change replaces glycine, which is neutral and non-polar, with aspartic acid, which is acidic and polar, at codon 90 of the IL11RA protein (p.Gly90Asp). In summary, the available evidence is currently insufficient to determine the role of this variant in disease. Therefore, it has been classified as a Variant of Uncertain Significance. Algorithms developed to predict the effect of missense changes on protein structure and function are either unavailable or do not agree on the potential impact of this missense change (SIFT: "Tolerated"; PolyPhen-2: "Probably Damaging"; Align-GVGD: "Class C0"). This variant has not been reported in the literature in individuals affected with IL11RA-related conditions. This variant is not present in population databases (gnomAD no frequency).